The following is an entry in ClinVar:

ClinVar aggregate classification (germline): Uncertain significance (1 of 4 stars; one submission).

Conditions:
Dyskeratosis congenita. Identifiers: Orphanet 1775, MedGen C0265965, MONDO:0015780.

Allele frequency attached by ClinVar (database versions not stated): gnomAD exomes below 0.00001.

Submission:

Labcorp Genetics (formerly Invitae), Labcorp
Classification: Uncertain significance for Dyskeratosis congenita. Last evaluated: 2022-07-05. Review status: criteria provided, single submitter. Criteria: Invitae Variant Classification Sherloc (09022015). Collection method: clinical testing. Allele origin: germline.
Comment: In summary, the available evidence is currently insufficient to determine the role of this variant in disease. Therefore, it has been classified as a Variant of Uncertain Significance. Algorithms developed to predict the effect of missense changes on protein structure and function are either unavailable or do not agree on the potential impact of this missense change (SIFT: "Deleterious"; PolyPhen-2: "Probably Damaging"; Align-GVGD: "Class C0"). ClinVar contains an entry for this variant (Variation ID: 1010706). This variant has not been reported in the literature in individuals affected with CTC1-related conditions. This variant is not present in population databases (gnomAD no frequency). This sequence change replaces serine, which is neutral and polar, with asparagine, which is neutral and polar, at codon 88 of the CTC1 protein (p.Ser88Asn).

NM_025099.6(CTC1):c.263G>A (p.Ser88Asn)

Gene: CTC1 (CST telomere replication complex component 1; minus strand). Cytogenetic location: 17p13.1.
Variant type: single nucleotide variant.
Coding change: c.263G>A on transcript NM_025099.6 (MANE Select); coding-DNA position 263, G replaced by A.
Protein change: p.Ser88Asn; replaces serine 88 with asparagine.
Molecular consequence: missense variant. On other transcripts: non-coding transcript variant (1).
Genome position (GRCh38, 1-based): chr17:8,238,564, C>T on the plus strand (G>A on the coding strand, the complement: CTC1 is on the minus strand). VCF-style: chr17-8238564-C-T. GRCh37 (hg19) VCF-style: chr17-8141882-C-T.
Other names: short protein forms S88N.
Identifiers: ClinVar variation 1010706 (VCV001010706.8), dbSNP rs1987944023, ClinGen allele CA397993736.